The following is an entry in ClinVar:

NM_198407.2(GHSR):c.553G>T (p.Glu185Ter)

Gene: GHSR (growth hormone secretagogue receptor; minus strand). Cytogenetic location: 3q26.31.
Variant type: single nucleotide variant.
Coding change: c.553G>T on transcript NM_198407.2 (MANE Select); coding-DNA position 553, G replaced by T.
Protein change: p.Glu185Ter; replaces glutamic acid 185 with a stop codon.
Molecular consequence: nonsense.
Genome position (GRCh38, 1-based): chr3:172,447,861, C>A on the plus strand (G>T on the coding strand, the complement: GHSR is on the minus strand). VCF-style: chr3-172447861-C-A. GRCh37 (hg19) VCF-style: chr3-172165651-C-A.
Other names: c.553G>T, p.Glu185Ter (NM_004122.2); short protein forms E185*.
Identifiers: ClinVar variation 1319026 (VCV001319026.2), dbSNP rs2108426298, ClinGen allele CA355514209.

ClinVar aggregate classification (germline): Uncertain significance (1 of 4 stars; one submission).

Submission:

GeneDx
Classification: Uncertain significance. Last evaluated: 2019-04-16. Review status: criteria provided, single submitter. Criteria: GeneDx Variant Classification Process June 2021. Collection method: clinical testing. Allele origin: germline. Affected: yes.
Comment: Not observed in large population cohorts (Lek et al., 2016); Nonsense variant predicted to result in protein truncation or nonsense mediated decay in a gene for which loss-of-function is not a known mechanism of disease; Has not been previously published as pathogenic or benign to our knowledge